The following is an entry in ClinVar:

ClinVar aggregate classification (germline): Likely pathogenic (1 of 4 stars; one submission).

Conditions:
Cornea plana 2 (CNA2). Also called: CORNEA PLANA 2, AUTOSOMAL RECESSIVE. Identifiers: Orphanet 53691, MedGen C1857574, MONDO:0009014, OMIM 217300.

Submission:

Department of Molecular Genetics, Istishari Arab Hospital
Classification: Likely pathogenic for Cornea plana 2. Last evaluated: 2025-09-23. Review status: criteria provided, single submitter. Criteria: ACMG Guidelines, 2015. Collection method: clinical testing. Allele origin: germline. Inheritance: Autosomal recessive inheritance. Affected: yes.
Comment: The KERA variant c.38_41del, p.Phe13* creates a premature stop codon at position 13. This stop-gained (nonsense) variant is predicted to result in a loss or disruption of normal protein function through nonsense-mediated decay (NMD) or protein truncation. This variant is not observed in the gnomAD v4.1.0 dataset and has not been previously described in the literature. It is classified as likely pathogenic (class 2) according to the recommendations of ACMG/AMP/ClinGen SVI guidelines

NM_007035.4(KERA):c.38_41del (p.Leu12_Phe13insTer)

Gene: KERA (keratocan; minus strand). Cytogenetic location: 12q21.33.
Variant type: Deletion.
Coding change: c.38_41del on transcript NM_007035.4 (MANE Select); coding-DNA positions 38 to 41, 4 bases deleted (TCAT; older notation c.38_41delTCAT).
Protein change: p.Leu12_Phe13insTer.
Molecular consequence: nonsense.
Genome position (GRCh38, 1-based): chr12:91,056,241-91,056,244, ATGA deleted on the plus strand (TCAT on the coding strand, the reverse complement: KERA is on the minus strand); deleting any 4 consecutive bases within chr12:91,056,241-91,056,246 gives the same sequence; the c. name uses the placement nearest the transcript's 3' end. VCF-style (leftmost placement, unchanged base first): chr12-91056240-TATGA-T. GRCh37 (hg19) VCF-style: chr12-91450017-TATGA-T.
Other names: p.Phe13*.
Identifiers: ClinVar variation 4087749 (VCV004087749.1).